The following continues an entry in ClinVar:

NM_007294.4(BRCA1):c.5467G>A (p.Ala1823Thr)

Gene: BRCA1. ClinVar aggregate classification (germline): Pathogenic/Likely pathogenic. Pathogenic (9); Likely pathogenic (1).

Submissions 7 to 14 of 14:

Consortium of Investigators of Modifiers of BRCA1/2 (CIMBA), c/o University of Cambridge
Classification: Pathogenic for Breast-ovarian cancer, familial, susceptibility to, 1. Last evaluated: 2015-10-02. Review status: criteria provided, single submitter. Criteria: CIMBA Mutation Classification guidelines May 2016. Collection method: clinical testing. Allele origin: germline.

Ambry Genetics
Classification: Pathogenic for Hereditary cancer-predisposing syndrome. Last evaluated: 2015-09-30. Review status: criteria provided, single submitter. Criteria: Ambry Variant Classification Scheme 2023. Collection method: clinical testing. Allele origin: germline.
Comment: The c.5467G>A pathogenic mutation (also known as p.A1823T), located in coding exon 21 of the BRCA1 gene, results from a G to A substitution at nucleotide position 5467. The amino acid change results in alanine to threonine at codon 1823, an amino acid with similar properties. However, this change occurs in the last base pair of coding exon 21, which makes it likely to have some effect on normal mRNA splicing. This pathogenic mutation is described in the literature (also designated as 5586G>A) as a Greek founder mutation after being detected in multiple unrelated Greek families with breast and ovarian cancer (Ladopoulou A et al. 2002 Cancer Lett.;185 (1) :61-70; Belogianni I et al. 2004 BMC Cancer Sep;4:61; Janaviius R et al. 2010 EPMA J.Sep;1(3):397-412; Stavropoulou AV et al. 2013 PLoS ONE;8(3):e58182; Konstantopoulou I et al. 2014 Clin. Genet. Jan;85(1):36-42). Humanized mouse models demonstrated that this mutation causes two aberrant splicing fragments. The predominantly expressed fragment results in a deletion of coding exon 21 and the formation of a new stop codon in coding exon 22. The less common splicing fragment (estimated to be less than 20% of the transcripts) results in a transcript containing the first five nucleotides of intron 21 and the creation of a new stop codon in coding exon 22 secondary to a frameshift (Yang Y et al. 2003 Hum. Mol. Genet. Sep; 12(17):2121-31. Based on the available evidence, c.5467G>A is classified as a pathogenic mutation.

Clinical Genetics DNA and cytogenetics Diagnostics Lab, Erasmus MC, Erasmus Medical Center
Classification: Pathogenic for Breast-ovarian cancer, familial, susceptibility to, 1. Last evaluated: 2015-09-21. Review status: criteria provided, single submitter. Criteria: ACGS Guidelines, 2013. Collection method: clinical testing. Allele origin: germline. Affected: yes. Study: VKGL Data-share Consensus.

Genome Diagnostics Laboratory, University Medical Center Utrecht
Classification: Pathogenic for Breast-ovarian cancer, familial, susceptibility to, 1. Last evaluated: 2014-10-08. Review status: criteria provided, single submitter. Criteria: ACGS Guidelines, 2013. Collection method: clinical testing. Allele origin: germline. Affected: yes. Study: VKGL Data-share Consensus.

Breast Cancer Information Core (BIC) (BRCA1)
No classification provided. Condition: Breast-ovarian cancer, familial 1. Review status: no classification provided. Collection method: clinical testing. Allele origin: germline. Affected: yes. Observed: 10 variant alleles. Not counted in ClinVar's aggregate classification.

Brotman Baty Institute, University of Washington
No classification provided (evidence only). Condition: Breast-ovarian cancer, familial 1. Review status: no classification provided. Collection method: in vitro. Allele origin: not applicable. Functional consequence: functionally_abnormal. Not counted in ClinVar's aggregate classification.
ClinVar note: "not provided" was previously submitted as the classification for the variant. However, the classification appeared to be based only on an observation of functional data so it was converted to no classification on 2025-07-30.

Diagnostic Laboratory, Department of Genetics, University Medical Center Groningen
Classification: Pathogenic for Breast-ovarian cancer, familial, susceptibility to, 1. Review status: no assertion criteria provided. Collection method: clinical testing. Allele origin: germline. Affected: yes. Study: VKGL Data-share Consensus. Not counted in ClinVar's aggregate classification.

Joint Genome Diagnostic Labs from Nijmegen and Maastricht, Radboudumc and MUMC+
Classification: Pathogenic. Review status: no assertion criteria provided. Collection method: clinical testing. Allele origin: germline. Affected: yes. Study: VKGL Data-share Consensus. Not counted in ClinVar's aggregate classification.

Literature cited by the submitters: PubMed 12034536 (cited by 3 submitters); PubMed 16683254 (cited by Labcorp Genetics (formerly Invitae), Labcorp and Color Diagnostics, LLC DBA Color Health); PubMed 24010542 (cited by 3 submitters); PubMed 29446198 (cited by 3 submitters); PubMed 30209399 (cited by 3 submitters); PubMed 17576681 (cited by Labcorp Genetics (formerly Invitae), Labcorp); PubMed 9536098 (cited by Labcorp Genetics (formerly Invitae), Labcorp); PubMed 12915465 (cited by 3 submitters); PubMed 7894493 (cited by Labcorp Genetics (formerly Invitae), Labcorp); PubMed 10811118 (cited by Labcorp Genetics (formerly Invitae), Labcorp); PubMed 11739404 (cited by Labcorp Genetics (formerly Invitae), Labcorp); PubMed 12400015 (cited by Labcorp Genetics (formerly Invitae), Labcorp); PubMed 21922593 (cited by Labcorp Genetics (formerly Invitae), Labcorp); PubMed 33471991 (cited by Color Diagnostics, LLC DBA Color Health); PubMed 15353005 (cited by Ambry Genetics); PubMed 17305420 (cited by Ambry Genetics); PubMed 21702907 (cited by Ambry Genetics); PubMed 23199084 (cited by Ambry Genetics); PubMed 23536787 (cited by Ambry Genetics); Ladopolou-et-al.,-Cancer-Lett,-185:61,-2002 (cited by Breast Cancer Information Core (BIC) (BRCA1)).